The following is an entry in ClinVar:

NM_002691.4(POLD1):c.1823C>G (p.Pro608Arg)

Gene: POLD1 (DNA polymerase delta 1, catalytic subunit; plus strand). Cytogenetic location: 19q13.33.
Variant type: single nucleotide variant.
Coding change: c.1823C>G on transcript NM_002691.4 (MANE Select); coding-DNA position 1823, C replaced by G.
Protein change: p.Pro608Arg; replaces proline 608 with arginine.
Molecular consequence: missense variant. On other transcripts: non-coding transcript variant (1).
Genome position (GRCh38, 1-based): chr19:50,408,832, C>G. VCF-style: chr19-50408832-C-G. GRCh37 (hg19) VCF-style: chr19-50912089-C-G.
Other names: c.1823C>G, p.Pro608Arg (NM_001256849.1); c.1901C>G, p.Pro634Arg (NM_001308632.1); short protein forms P634R, P608R.
Identifiers: ClinVar variation 1995998 (VCV001995998.4), dbSNP rs2122367696, ClinGen allele CA406982027.
Genomic context (GRCh38, chr19:50,408,832, plus strand): 5'-GCTCCCCTCCCAGGTACTACGACGTCCCCATCGCCACCCTGGACTTCTCCTCGCTGTACC[C>G]GTCCATCATGATGGCCCACAACCTGTGTTACACCACGCTCCTTCGGCCCGGGACTGCACA-3'
Protein context (NP_002682.2, residues 598-618): IATLDFSSLY[Pro608Arg]SIMMAHNLCY

ClinVar aggregate classification (germline): Uncertain significance (1 of 4 stars; one submission).

Conditions:
POLD1-related polyposis and colorectal cancer syndrome (CRCS10). Also called: Colorectal cancer 10; COLORECTAL CANCER, SUSCEPTIBILITY TO, ON CHROMOSOME 19q; Colorectal cancer, susceptibility to, 10. Identifiers: Orphanet 220460, MedGen C2675481, MONDO:0012953, OMIM 612591.

Submission:

Labcorp Genetics (formerly Invitae), Labcorp
Classification: Uncertain significance for POLD1-related polyposis and colorectal cancer syndrome. Last evaluated: 2024-03-30. Review status: criteria provided, single submitter. Criteria: Invitae Variant Classification Sherloc (09022015). Collection method: clinical testing. Allele origin: germline.
Comment: This sequence change replaces proline, which is neutral and non-polar, with arginine, which is basic and polar, at codon 608 of the POLD1 protein (p.Pro608Arg). This variant is not present in population databases (gnomAD no frequency). This variant has not been reported in the literature in individuals affected with POLD1-related conditions. ClinVar contains an entry for this variant (Variation ID: 1995998). Advanced modeling of protein sequence and biophysical properties (such as structural, functional, and spatial information, amino acid conservation, physicochemical variation, residue mobility, and thermodynamic stability) performed at Invitae indicates that this missense variant is expected to disrupt POLD1 protein function with a positive predictive value of 80%. In summary, the available evidence is currently insufficient to determine the role of this variant in disease. Therefore, it has been classified as a Variant of Uncertain Significance.